The following is an entry in ClinVar:

ClinVar aggregate classification (germline): Benign. Review status: criteria provided, multiple submitters, no conflicts (2 of 4 stars). 12 submissions from 12 submitters: Benign (11). 1 of the submissions does not count toward it. Last evaluated 2026-02-04.

Conditions:
Familial sleep-related hypermotor epilepsy. Also called: Autosomal Dominant Sleep-Related Hypermotor (Hyperkinetic) Epilepsy. Identifiers: Orphanet 98784, MedGen C3696898, MONDO:0000030.
Autosomal dominant nocturnal frontal lobe epilepsy 1. Also called: EPILEPSY, NOCTURNAL FRONTAL LOBE, TYPE 1; CHRNA4-Related Nocturnal Frontal Lobe Epilepsy, Autosomal Dominant. Identifiers: Orphanet 98784, MedGen C1838049, MONDO:0010899, OMIM 600513.
Inborn genetic diseases. Identifiers: MedGen C0950123, MeSH D030342.

Allele frequency attached by ClinVar (database versions not stated): ESP Exome Variant Server 0.85714; TOPMed 0.85977; gnomAD 0.86626 and 0.87279; 1000 Genomes Project 30x 0.86633; 1000 Genomes Project 0.87081; ExAC 0.93575; gnomAD exomes 0.93857 and 0.94799.
gnomAD v4.1: 1,497,571 of 1,592,404 alleles (94%); highest among the groups gnomAD compares: East Asian, 100%; 707,657 homozygotes.

Submissions (12):

Labcorp Genetics (formerly Invitae), Labcorp
Classification: Benign. Last evaluated: 2026-02-04. Review status: criteria provided, single submitter. Criteria: Invitae Variant Classification Sherloc (09022015). Collection method: clinical testing. Allele origin: germline.

Blueprint Genetics
Classification: Benign. Last evaluated: 2024-11-28. Review status: criteria provided, single submitter. Criteria: ACMG Guidelines, 2015. Collection method: clinical testing. Allele origin: germline.

Unidad de Genómica Garrahan, Hospital de Pediatría Garrahan
Classification: Benign. Last evaluated: 2024-07-15. Review status: criteria provided, single submitter. Criteria: ACMG Guidelines, 2015. Collection method: clinical testing. Allele origin: germline. Affected: no. Observed: 93 variant alleles.
Comment: This variant is classified as Benign based on local population frequency. This variant was detected in 100% of patients studied in a panel designed for Epileptic and Developmental Encephalopathy and Progressive Myoclonus Epilepsy. Number of patients: 93. Only high quality variants are reported.

Genome-Nilou Lab
Classification: Benign for Autosomal dominant nocturnal frontal lobe epilepsy 1. Last evaluated: 2021-07-22. Review status: criteria provided, single submitter. Criteria: ACMG Guidelines, 2015. Collection method: clinical testing. Allele origin: germline. Affected: no.

Athena Diagnostics
Classification: Benign. Last evaluated: 2021-06-02. Review status: criteria provided, single submitter. Criteria: Athena Diagnostics criteria. Collection method: clinical testing. Allele origin: unknown.

Mayo Clinic Laboratories, Mayo Clinic
Classification: Benign. Last evaluated: 2018-04-02. Review status: criteria provided, single submitter. Criteria: ACMG Guidelines, 2015. Collection method: clinical testing. Allele origin: germline. Observed: 539 variant alleles.

Eurofins Ntd Llc (ga)
Classification: Benign. Last evaluated: 2017-06-07. Review status: criteria provided, single submitter. Criteria: EGL Classification Definitions 2015. Collection method: clinical testing. Allele origin: germline. Observed: 82 variant alleles, 10 heterozygotes, 72 homozygotes.

Ambry Genetics
Classification: Benign for Inborn genetic diseases. Last evaluated: 2016-01-08. Review status: criteria provided, single submitter. Criteria: Ambry Variant Classification Scheme 2023. Collection method: clinical testing. Allele origin: germline.

GeneDx
Classification: Benign. Last evaluated: 2015-03-03. Review status: criteria provided, single submitter. Criteria: GeneDx Variant Classification Process June 2021. Collection method: clinical testing. Allele origin: germline. Affected: yes.

Breakthrough Genomics
Classification: Benign. Review status: criteria provided, single submitter. Criteria: ACMG Guidelines, 2015. Collection method: not provided. Allele origin: germline. Inheritance: Autosomal dominant inheritance. Affected: yes.

PreventionGenetics, part of Exact Sciences
Classification: Benign. Review status: criteria provided, single submitter. Criteria: ACMG Guidelines, 2015. Collection method: clinical testing. Allele origin: germline.

Genetic Services Laboratory, University of Chicago
Classification: Likely benign for AllHighlyPenetrant. Review status: no assertion criteria provided. Collection method: clinical testing. Allele origin: germline. Inheritance: Autosomal dominant inheritance. Not counted in ClinVar's aggregate classification.
Comment: Likely benign based on allele frequency in 1000 Genomes Project or ESP global frequency and its presence in a patient with a rare or unrelated disease phenotype. NOT Sanger confirmed.

NM_000744.7(CHRNA4):c.1227T>C (p.Cys409=)

Gene: CHRNA4 (cholinergic receptor nicotinic alpha 4 subunit; minus strand). Cytogenetic location: 20q13.33.
Variant type: single nucleotide variant.
Coding change: c.1227T>C on transcript NM_000744.7 (MANE Select); coding-DNA position 1227, T replaced by C.
Protein change: p.Cys409=; no amino-acid change (cysteine 409 retained).
Molecular consequence: synonymous variant. On other transcripts: non-coding transcript variant (1).
Genome position (GRCh38, 1-based): chr20:63,350,184, A>G on the plus strand (T>C on the coding strand, the complement: CHRNA4 is on the minus strand). VCF-style: chr20-63350184-A-G. GRCh37 (hg19) VCF-style: chr20-61981536-A-G.
Other names: p.Cys409=; c.699T>C, p.Cys233= (NM_001256573.2).
Identifiers: ClinVar variation 93425 (VCV000093425.31), dbSNP rs2229960, ClinGen allele CA146963.
Genomic context (GRCh38, chr20:63,350,184, plus strand): 5'-GAGCTGGTCGGAGGGTGACTTGCAGGAAGGCCCAGGCTCAGCCGGCACATCCAGGGGGAC[A>G]CAGAAGGACGGTGAGGGCGGGTGCAGGCTCTGGGTGCCGCTCGTGGCAGGGGGCTCCCCT-3'
Protein context (NP_000735.1, residues 399-419): QSLHPPSPSF[Cys409=]VPLDVPAEPG